The following is an entry in ClinVar:

NM_001386140.1(MTTP):c.2378A>C (p.Asp793Ala)

Gene: MTTP (microsomal triglyceride transfer protein; plus strand). Cytogenetic location: 4q23.
Variant type: single nucleotide variant.
Coding change: c.2378A>C on transcript NM_001386140.1 (MANE Select); coding-DNA position 2378, A replaced by C.
Protein change: p.Asp793Ala; replaces aspartic acid 793 with alanine.
Molecular consequence: missense variant.
Genome position (GRCh38, 1-based): chr4:99,621,096, A>C. VCF-style: chr4-99621096-A-C. GRCh37 (hg19) VCF-style: chr4-100542253-A-C.
Other names: c.2378A>C, p.Asp793Ala (NM_000253.4); c.2129A>C, p.Asp710Ala (NM_001300785.2); short protein forms D710A, D793A.
Identifiers: ClinVar variation 1209582 (VCV001209582.5), dbSNP rs780797954, ClinGen allele CA3022355.
Genomic context (GRCh38, chr4:99,621,096, plus strand): 5'-TTTTCTTTTTTTCTCAAATGTTTAGGGTGACTGTGGTAATAACCACTGACATCACAGTGG[A>C]CTCCTCTTTTGTGAAAGCTGGCCTGGAAACCAGTACAGAAACAGAAGCAGGCTTGGAGTT-3'
Protein context (NP_001373069.1, residues 783-803): TVVITTDITV[Asp793Ala]SSFVKAGLET

ClinVar aggregate classification (germline): Uncertain significance. Review status: criteria provided, multiple submitters, no conflicts (2 of 4 stars). 2 submissions from 2 submitters: Uncertain significance (2). Last evaluated 2022-07-22.

Conditions:
Abetalipoproteinaemia (ABL). Also called: Abetalipoproteinemia; Abetalipoproteinemia neuropathy; Apolipoprotein B deficiency; Congenital betalipoprotein deficiency syndrome; MTP DEFICIENCY. Identifiers: Orphanet 14, MedGen C0000744, MONDO:0008692, OMIM 200100, HP:0008181.

Allele frequency attached by ClinVar (database versions not stated): ExAC 0.00002.
gnomAD v4.1: 35 of 1,613,842 alleles (0.0022%); highest among the groups gnomAD compares: Middle Eastern, 0.016%; no homozygotes.

Submissions (2):

Labcorp Genetics (formerly Invitae), Labcorp
Classification: Uncertain significance. Last evaluated: 2022-07-22. Review status: criteria provided, single submitter. Criteria: Invitae Variant Classification Sherloc (09022015). Collection method: clinical testing. Allele origin: germline.
Comment: This sequence change replaces aspartic acid, which is acidic and polar, with alanine, which is neutral and non-polar, at codon 793 of the MTTP protein (p.Asp793Ala). This variant is present in population databases (rs780797954, gnomAD 0.01%). This variant has not been reported in the literature in individuals affected with MTTP-related conditions. ClinVar contains an entry for this variant (Variation ID: 1209582). Algorithms developed to predict the effect of missense changes on protein structure and function are either unavailable or do not agree on the potential impact of this missense change (SIFT: "Tolerated"; PolyPhen-2: "Possibly Damaging"; Align-GVGD: "Class C0"). In summary, the available evidence is currently insufficient to determine the role of this variant in disease. Therefore, it has been classified as a Variant of Uncertain Significance.

Genome-Nilou Lab
Classification: Uncertain significance for Abetalipoproteinaemia. Last evaluated: 2021-07-14. Review status: criteria provided, single submitter. Criteria: ACMG Guidelines, 2015. Collection method: clinical testing. Allele origin: germline. Affected: no.